The following is an entry in ClinVar:

NM_001242882.2(NAXD):c.779C>T (p.Ser260Leu)

Gene: NAXD (NAD(P)HX dehydratase; plus strand). Cytogenetic location: 13q34.
Variant type: single nucleotide variant.
Coding change: c.779C>T on transcript NM_001242882.2 (MANE Select); coding-DNA position 779, C replaced by T.
Protein change: p.Ser260Leu; replaces serine 260 with leucine.
Molecular consequence: missense variant. On other transcripts: non-coding transcript variant (2).
Genome position (GRCh38, 1-based): chr13:110,637,189, C>T. VCF-style: chr13-110637189-C-T. GRCh37 (hg19) VCF-style: chr13-111289536-C-T.
Other names: c.833C>T, p.Ser278Leu (NM_001242881.2, NM_018210.4); c.503C>T, p.Ser168Leu (NM_001242883.2); short protein forms S168L, S260L, S278L.
Identifiers: ClinVar variation 2419106 (VCV002419106.6), dbSNP rs1006325282, ClinGen allele CA256315532.

ClinVar aggregate classification (germline): Uncertain significance (1 of 4 stars; one submission).

Allele frequency attached by ClinVar (database versions not stated): gnomAD 0.00001; gnomAD exomes 0.00001; TOPMed 0.00001.
gnomAD v4.1: 10 of 1,613,882 alleles (0.00062%); highest among the groups gnomAD compares: African/African-American, 0.0013%; no homozygotes.

Submission:

Labcorp Genetics (formerly Invitae), Labcorp
Classification: Uncertain significance. Last evaluated: 2021-12-22. Review status: criteria provided, single submitter. Criteria: Invitae Variant Classification Sherloc (09022015). Collection method: clinical testing. Allele origin: germline.
Comment: This sequence change replaces serine, which is neutral and polar, with leucine, which is neutral and non-polar, at codon 278 of the NAXD protein (p.Ser278Leu). This variant is present in population databases (no rsID available, gnomAD 0.01%). This variant has not been reported in the literature in individuals affected with NAXD-related conditions. Algorithms developed to predict the effect of missense changes on protein structure and function are either unavailable or do not agree on the potential impact of this missense change (SIFT: "Deleterious"; PolyPhen-2: "Probably Damaging"; Align-GVGD: "Class C0"). In summary, the available evidence is currently insufficient to determine the role of this variant in disease. Therefore, it has been classified as a Variant of Uncertain Significance.